The following is an entry in ClinVar:

ClinVar aggregate classification (germline): Conflicting classifications of pathogenicity. Review status: criteria provided, conflicting classifications (1 of 4 stars). 2 submissions from 2 submitters: Uncertain significance (1); Likely benign (1). Last evaluated 2024-05-31.

Conditions:
Hereditary sensory neuropathy-deafness-dementia syndrome. Also called: NEUROPATHY, HEREDITARY SENSORY, WITH HEARING LOSS AND DEMENTIA; Hereditary Sensory and Autonomic Neuropathy Type 1E (HSAN1E); Hereditary sensory neuropathy type IE; HSN IE. Identifiers: Orphanet 456318, MedGen C3279885, MONDO:0013584, OMIM 614116.

Allele frequency attached by ClinVar (database versions not stated): gnomAD 0.00003 and 0.00004; TOPMed 0.00003.
gnomAD v4.1: 18 of 1,613,936 alleles (0.0011%); highest among the groups gnomAD compares: African/African-American, 0.008%; no homozygotes.

Submissions (2):

Labcorp Genetics (formerly Invitae), Labcorp
Classification: Likely benign for Hereditary sensory neuropathy-deafness-dementia syndrome. Last evaluated: 2024-05-31. Review status: criteria provided, single submitter. Criteria: Invitae Variant Classification Sherloc (09022015). Collection method: clinical testing. Allele origin: germline.

GeneDx
Classification: Uncertain significance. Last evaluated: 2017-07-06. Review status: criteria provided, single submitter. Criteria: GeneDx Variant Classification (06012015). Collection method: clinical testing. Allele origin: germline. Affected: yes.
Comment: The G946S variant has not been published as a pathogenic variant, nor has it been reported as a benign variant to our knowledge. The G946S variant is observed in 2/10400 (0.02%) alleles from individuals of African background (Lek et al., 2016; 1000 Genomes Consortium et al., 2015; Exome Variant Server). The G946S variant is a non-conservative amino acid substitution, which is likely to impact secondary protein structure as these residues differ in polarity, charge, size and/or other properties. This substitution occurs at a position that is conserved across species. In silico analysis predicts this variant is probably damaging to the protein structure/function. Therefore, based on the currently available information, it is unclear whether this variant is a pathogenic variant or a rare benign variant.

NM_001130823.3(DNMT1):c.2836G>A (p.Gly946Ser)

Gene: DNMT1 (DNA methyltransferase 1; minus strand). Cytogenetic location: 19p13.2.
Variant type: single nucleotide variant.
Coding change: c.2836G>A on transcript NM_001130823.3 (MANE Select); coding-DNA position 2836, G replaced by A.
Protein change: p.Gly946Ser; replaces glycine 946 with serine.
Molecular consequence: missense variant.
Genome position (GRCh38, 1-based): chr19:10,146,409, C>T on the plus strand (G>A on the coding strand, the complement: DNMT1 is on the minus strand). VCF-style: chr19-10146409-C-T. GRCh37 (hg19) VCF-style: chr19-10257085-C-T.
Other names: c.2836G>A (LRG_362t1); c.2788G>A, p.Gly930Ser (NM_001318730.2, NM_001379.4); c.2473G>A, p.Gly825Ser (NM_001318731.2); short protein forms G946S, G825S, G930S.
Identifiers: ClinVar variation 450129 (VCV000450129.9), dbSNP rs777416084, ClinGen allele CA9187924.